The following is an entry in ClinVar:

NM_001164508.2(NEB):c.24021G>A (p.Ser8007=)

Genes: NEB (nebulin; minus strand), RIF1 (replication timing regulatory factor 1; plus strand). Cytogenetic location: 2q23.3.
Variant type: single nucleotide variant.
Coding change: c.24021G>A on transcript NM_001164508.2 (MANE Select); coding-DNA position 24021, G replaced by A.
Protein change: p.Ser8007=; no amino-acid change (serine 8007 retained).
Molecular consequence: synonymous variant. On other transcripts: intron variant (1).
Genome position (GRCh38, 1-based): chr2:151,501,391, C>T on the plus strand (G>A on the coding strand, the complement: NEB is on the minus strand). VCF-style: chr2-151501391-C-T. GRCh37 (hg19) VCF-style: chr2-152357905-C-T.
Other names: c.24021G>A, p.Ser8007= (NM_001164507.2); c.24126G>A, p.Ser8042= (NM_001271208.2); c.18825+1402G>A (NM_004543.5); c.24126G>A (NM_001271208.1).
Identifiers: ClinVar variation 1352686 (VCV001352686.6), dbSNP rs557688789, ClinGen allele CA57671919.

ClinVar aggregate classification (germline): Conflicting classifications of pathogenicity. Review status: criteria provided, conflicting classifications (1 of 4 stars). 2 submissions from 2 submitters: Uncertain significance (1); Benign (1). Last evaluated 2025-09-30.

Conditions:
Nemaline myopathy 2 (NEM2). Also called: Nemaline myopathy 2, autosomal recessive. Identifiers: MedGen C1850569, MONDO:0009725, OMIM 256030.

Allele frequency attached by ClinVar (database versions not stated): gnomAD exomes 0.00001; gnomAD 0.00002; TOPMed 0.00003.
gnomAD v4.1: 9 of 1,541,718 alleles (0.00058%); highest among the groups gnomAD compares: Admixed American, 0.0059%; no homozygotes.

Submissions (2):

Labcorp Genetics (formerly Invitae), Labcorp
Classification: Benign for Nemaline myopathy 2. Last evaluated: 2025-09-30. Review status: criteria provided, single submitter. Criteria: Invitae Variant Classification Sherloc (09022015). Collection method: clinical testing. Allele origin: germline.

GeneDx
Classification: Uncertain significance. Last evaluated: 2022-08-24. Review status: criteria provided, single submitter. Criteria: GeneDx Variant Classification Process June 2021. Collection method: clinical testing. Allele origin: germline. Affected: yes.
Comment: Not observed at significant frequency in large population cohorts (gnomAD); In-silico analysis is inconclusive as to whether the variant alters gene splicing. In the absence of RNA/functional studies, the actual effect of this sequence change is unknown.; Has not been previously published as pathogenic or benign to our knowledge